The following is an entry in ClinVar:

ClinVar aggregate classification (germline): Pathogenic (1 of 4 stars; one submission).

Submission:

GeneDx
Classification: Pathogenic. Last evaluated: 2026-08-21. Review status: criteria provided, single submitter. Criteria: GeneDx Variant Classification Process June 2021. Collection method: clinical testing. Allele origin: germline.
Comment: Frameshift variant predicted to result in protein truncation or nonsense mediated decay in a gene for which loss of function is a known mechanism of disease; Not observed at significant frequency in large population cohorts (gnomAD); Has not been previously published as pathogenic or benign to our knowledge

NM_017791.3(FLVCR2):c.1011del (p.Trp337fs)

Gene: FLVCR2 (FLVCR choline and putative heme transporter 2; plus strand). Cytogenetic location: 14q24.3.
Variant type: Deletion.
Coding change: c.1011del on transcript NM_017791.3 (MANE Select); coding-DNA position 1011, one base deleted (G; older notation c.1011delG).
Protein change: p.Trp337fs; shifts the reading frame from tryptophan 337.
Molecular consequence: frameshift variant.
Genome position (GRCh38, 1-based): chr14:75,633,687, G deleted; the last of 2 consecutive G bases (chr14:75,633,686-75,633,687); deleting either gives the same sequence. VCF-style (leftmost placement, unchanged base first): chr14-75633685-TG-T. GRCh37 (hg19) VCF-style: chr14-76100028-TG-T.
Other names: c.1011del (NM_017791.2); c.1011delG (NM_017791.2); c.396del, p.Trp132fs (NM_001195283.2); short protein forms W132fs, W337fs.
Identifiers: ClinVar variation 418732 (VCV000418732.4), dbSNP rs759469907, ClinGen allele CA7278403.